The following is an entry in ClinVar:

NM_001148.6(ANK2):c.3268A>G (p.Lys1090Glu)

Gene: ANK2 (ankyrin 2; plus strand). Cytogenetic location: 4q26.
Variant type: single nucleotide variant.
Coding change: c.3268A>G on transcript NM_001148.6 (MANE Select); coding-DNA position 3268, A replaced by G.
Protein change: p.Lys1090Glu; replaces lysine 1090 with glutamic acid.
Molecular consequence: missense variant.
Genome position (GRCh38, 1-based): chr4:113,333,097, A>G. VCF-style: chr4-113333097-A-G. GRCh37 (hg19) VCF-style: chr4-114254253-A-G.
Other names: c.3241A>G, p.Lys1081Glu (NM_001127493.3); c.3280A>G, p.Lys1094Glu (NM_001354225.2); c.3169A>G, p.Lys1057Glu (NM_001354228.2, NM_001354258.2); c.3247A>G, p.Lys1083Glu (NM_001354230.2); c.3310A>G, p.Lys1104Glu (NM_001354231.2, NM_001354242.2); c.3304A>G, p.Lys1102Glu (NM_001354232.2); c.3265A>G, p.Lys1089Glu (NM_001354235.2, NM_001354246.2, NM_001354265.2); c.3166A>G, p.Lys1056Glu (NM_001354236.2); and 28 more; short protein forms K1081E, K1090E, K1036E, K1073E, K1080E, K1094E, K990E, K995E.
Identifiers: ClinVar variation 519481 (VCV000519481.5), dbSNP rs1384689202, ClinGen allele CA357935992.

ClinVar aggregate classification (germline): Uncertain significance (1 of 4 stars; one submission).

Conditions:
Cardiovascular phenotype. Identifiers: MedGen CN230736.

Allele frequency attached by ClinVar (database versions not stated): gnomAD exomes below 0.00001; TOPMed below 0.00001.
gnomAD v4.1: 2 of 1,614,228 alleles (0.00012%); highest among the groups gnomAD compares: East Asian, 0.0045%; no homozygotes.

Submission:

Ambry Genetics
Classification: Uncertain significance for Cardiovascular phenotype. Last evaluated: 2017-07-26. Review status: criteria provided, single submitter. Criteria: Ambry Variant Classification Scheme 2023. Collection method: clinical testing. Allele origin: germline.
Comment: The p.K1090E variant (also known as c.3268A>G), located in coding exon 29 of the ANK2 gene, results from an A to G substitution at nucleotide position 3268. The lysine at codon 1090 is replaced by glutamic acid, an amino acid with similar properties. This amino acid position is well conserved in available vertebrate species. In addition, the in silico prediction for this alteration is inconclusive. Since supporting evidence is limited at this time, the clinical significance of this alteration remains unclear.